The following is an entry in ClinVar:

ClinVar aggregate classification (germline): Uncertain significance (1 of 4 stars; one submission).

Allele frequency attached by ClinVar (database versions not stated): ExAC 0.00001; gnomAD exomes 0.00002; TOPMed 0.00002; gnomAD 0.00003.
gnomAD v4.1: 34 of 1,596,184 alleles (0.0021%); highest among the groups gnomAD compares: Admixed American, 0.0033%; no homozygotes.

Submission:

Labcorp Genetics (formerly Invitae), Labcorp
Classification: Uncertain significance. Last evaluated: 2022-05-05. Review status: criteria provided, single submitter. Criteria: Invitae Variant Classification Sherloc (09022015). Collection method: clinical testing. Allele origin: germline.
Comment: This sequence change replaces leucine, which is neutral and non-polar, with proline, which is neutral and non-polar, at codon 2034 of the FRAS1 protein (p.Leu2034Pro). This variant is present in population databases (rs779890040, gnomAD 0.003%). This variant has not been reported in the literature in individuals affected with FRAS1-related conditions. Algorithms developed to predict the effect of missense changes on protein structure and function (SIFT, PolyPhen-2, Align-GVGD) all suggest that this variant is likely to be disruptive. In summary, the available evidence is currently insufficient to determine the role of this variant in disease. Therefore, it has been classified as a Variant of Uncertain Significance.

NM_025074.7(FRAS1):c.6101T>C (p.Leu2034Pro)

Gene: FRAS1 (Fraser extracellular matrix complex subunit 1; plus strand). Cytogenetic location: 4q21.21.
Variant type: single nucleotide variant.
Coding change: c.6101T>C on transcript NM_025074.7 (MANE Select); coding-DNA position 6101, T replaced by C.
Protein change: p.Leu2034Pro; replaces leucine 2034 with proline.
Molecular consequence: missense variant.
Genome position (GRCh38, 1-based): chr4:78,448,143, T>C. VCF-style: chr4-78448143-T-C. GRCh37 (hg19) VCF-style: chr4-79369297-T-C.
Other names: short protein forms L2034P.
Identifiers: ClinVar variation 2420261 (VCV002420261.3), dbSNP rs779890040, ClinGen allele CA2977698.